The following is an entry in ClinVar:

ClinVar aggregate classification (germline): Uncertain significance (1 of 4 stars; one submission).

gnomAD v4.1: 1 of 1,205,386 alleles (0.000083%); no homozygotes.

Submission:

GeneDx
Classification: Uncertain significance. Last evaluated: 2019-05-28. Review status: criteria provided, single submitter. Criteria: GeneDx Variant Classification Process June 2021. Collection method: clinical testing. Allele origin: germline. Affected: yes.
Comment: Not observed in large population cohorts (Lek et al., 2016); In silico analysis, which includes protein predictors and evolutionary conservation, supports a deleterious effect; Has not been previously published as pathogenic or benign to our knowledge

NM_001318510.2(ACSL4):c.990G>C (p.Met330Ile)

Gene: ACSL4 (acyl-CoA synthetase long chain family member 4; minus strand). Cytogenetic location: Xq23.
Variant type: single nucleotide variant.
Coding change: c.990G>C on transcript NM_001318510.2 (MANE Select); coding-DNA position 990, G replaced by C.
Protein change: p.Met330Ile; replaces methionine 330 with isoleucine.
Molecular consequence: missense variant.
Genome position (GRCh38, 1-based): chrX:109,674,414, C>G on the plus strand (G>C on the coding strand, the complement: ACSL4 is on the minus strand). VCF-style: chrX-109674414-C-G. GRCh37 (hg19) VCF-style: chrX-108917643-C-G.
Other names: c.1113G>C, p.Met371Ile (NM_001318509.2, NM_022977.3); c.990G>C, p.Met330Ile (NM_004458.3); short protein forms M330I, M371I.
Identifiers: ClinVar variation 1303698 (VCV001303698.2), dbSNP rs2147425897, ClinGen allele CA414216996.
Genomic context (GRCh38, chrX:109,674,414, plus strand): 5'-AATTATATAAACAATCCTCTTATGTTCATATTCATATTCTGTACTCACCGGAACAGCAGC[C>G]ATAAGTGTGGGCTTCAGTACAGTACAGTCTCCTTTGCTTCCTTTTTTAATTTTGCTGGAC-3'
Protein context (NP_001305439.1, residues 320-340): GDCTVLKPTL[Met330Ile]AAVPEIMDRI